The following is an entry in ClinVar:

ClinVar aggregate classification (germline): Pathogenic. Review status: reviewed by expert panel (3 of 4 stars). 3 submissions from 3 submitters: Pathogenic (1). 2 of the submissions do not count toward it. Last evaluated 2017-12-15.

Conditions:
Ovarian cancer. Also called: OVARIAN CANCER, SOMATIC. Identifiers: Orphanet 213500, MedGen C1140680, MONDO:0008170, OMIM 167000.
Breast-ovarian cancer, familial, susceptibility to, 2 (BROVCA2). Also called: BRCA2 Hereditary Breast and Ovarian Cancer. Identifiers: Orphanet 145, MedGen C2675520, MONDO:0012933, OMIM 612555. Disease mechanism: loss of function.

Submissions (3):

Evidence-based Network for the Interpretation of Germline Mutant Alleles (ENIGMA)
Classification: Pathogenic for Breast-ovarian cancer, familial, susceptibility to, 2. Last evaluated: 2017-12-15. Review status: reviewed by expert panel. Criteria: ENIGMA BRCA1/2 Classification Criteria (2017-06-29). Collection method: curation. Allele origin: germline. Study: ENIGMA.
Comment: Variant allele predicted to encode a truncated non-functional protein.

3DMed Clinical Laboratory Inc
Classification: Pathogenic for Ovarian cancer. Last evaluated: 2017-03-17. Review status: criteria provided, single submitter. Criteria: ACMG Guidelines, 2015. Collection method: clinical testing. Allele origin: germline. Affected: yes. Not counted in ClinVar's aggregate classification.

Molecular Genetics Laboratory, University of Michigan
Classification: Pathogenic for Breast-ovarian cancer, familial, susceptibility to, 2. Last evaluated: 2016-04-21. Review status: criteria provided, single submitter. Criteria: ACMG Guidelines, 2015. Collection method: clinical testing. Allele origin: germline. Affected: yes. Not counted in ClinVar's aggregate classification.

Literature cited by the submitters: PubMed 15145354 (cited by 3DMed Clinical Laboratory Inc).

NM_000059.4(BRCA2):c.9053_9057del (p.Ser3018fs)

Gene: BRCA2 (BRCA2 DNA repair associated; plus strand). Cytogenetic location: 13q13.1.
Variant type: Deletion.
Coding change: c.9053_9057del on transcript NM_000059.4 (MANE Select); coding-DNA positions 9053 to 9057, 5 bases deleted (GTAAA; older notation c.9053_9057delGTAAA).
Protein change: p.Ser3018fs; shifts the reading frame from serine 3018.
Molecular consequence: frameshift variant.
Genome position (GRCh38, 1-based): chr13:32,379,849-32,379,853, GTAAA deleted; deleting any 5 consecutive bases within chr13:32,379,846-32,379,853 gives the same sequence; the c. name uses the placement nearest the transcript's 3' end. VCF-style (leftmost placement, unchanged base first): chr13-32379845-AAAAGT-A. GRCh37 (hg19) VCF-style: chr13-32953982-AAAAGT-A.
Other names: c.9053_9057delGTAAA (NM_000059.3); short protein forms S3018fs.
Identifiers: ClinVar variation 225756 (VCV000225756.4), dbSNP rs869320800, ClinGen allele CA10576076.